The following is an entry in ClinVar:

ClinVar aggregate classification (germline): Likely benign. Review status: criteria provided, multiple submitters, no conflicts (2 of 4 stars). 3 submissions from 3 submitters: Likely benign (2). 1 of the submissions does not count toward it. Last evaluated 2018-12-24.

Allele frequency attached by ClinVar (database versions not stated): 1000 Genomes Project 30x 0.00281; 1000 Genomes Project 0.00319; TOPMed 0.00459; ESP Exome Variant Server 0.00546; gnomAD exomes 0.00590; ExAC 0.00649.
gnomAD v4.1: 10,028 of 1,606,226 alleles (0.62%); highest among the groups gnomAD compares: South Asian, 1%; 52 homozygotes.

Submissions (3):

GeneDx
Classification: Likely benign. Last evaluated: 2018-12-24. Review status: criteria provided, single submitter. Criteria: GeneDx Variant Classification Process June 2021. Collection method: clinical testing. Allele origin: germline. Affected: yes.
Comment: See Variant Classification Assertion Criteria.

Breakthrough Genomics
Classification: Likely benign. Review status: criteria provided, single submitter. Criteria: ACMG Guidelines, 2015. Collection method: not provided. Allele origin: germline. Inheritance: Autosomal recessive inheritance. Affected: yes.

Mayo Clinic Laboratories, Mayo Clinic
Classification: Likely benign. Last evaluated: 2015-12-16. Review status: no assertion criteria provided. Collection method: clinical testing. Allele origin: unknown. Not counted in ClinVar's aggregate classification.

NM_002617.4(PEX10):c.113-26C>T

Gene: PEX10 (peroxisomal biogenesis factor 10; minus strand). Cytogenetic location: 1p36.32.
Variant type: single nucleotide variant.
Coding change: c.113-26C>T on transcript NM_002617.4 (MANE Select); 26 bases into the intron before coding-DNA position 113, C replaced by T.
Molecular consequence: intron variant.
Genome position (GRCh38, 1-based): chr1:2,410,477, G>A on the plus strand (C>T on the coding strand, the complement: PEX10 is on the minus strand). VCF-style: chr1-2410477-G-A. GRCh37 (hg19) VCF-style: chr1-2341916-G-A.
Other names: c.-320-26C>T (NM_001374427.1, NM_001374426.1); c.113-26C>T (NM_001374425.1, NM_153818.2).
Identifiers: ClinVar variation 559059 (VCV000559059.8), dbSNP rs41315652, ClinGen allele CA538294.
Genomic context (GRCh38, chr1:2,410,477, plus strand): 5'-AACCTCCTTCCTCCACTCCAGCCACTTCCTCGCACCTGAGAGGAGAAACAGTATTAGTCC[G>A]GGGGAGCTGGTGGGCATCCTCTGAGGATGAGGGACCACAGTCCTCCCCCAGTTGTCTAGG-3'